The following is an entry in ClinVar:

NM_005476.7(GNE):c.1632A>G (p.Thr544=)

Gene: GNE (glucosamine (UDP-N-acetyl)-2-epimerase/N-acetylmannosamine kinase; minus strand). Cytogenetic location: 9p13.3.
Variant type: single nucleotide variant.
Coding change: c.1632A>G on transcript NM_005476.7 (MANE Select); coding-DNA position 1632, A replaced by G.
Protein change: p.Thr544=; no amino-acid change (threonine 544 retained).
Molecular consequence: synonymous variant. On other transcripts: intron variant (1).
Genome position (GRCh38, 1-based): chr9:36,222,778, T>C on the plus strand (A>G on the coding strand, the complement: GNE is on the minus strand). VCF-style: chr9-36222778-T-C. GRCh37 (hg19) VCF-style: chr9-36222775-T-C.
Other names: c.1725A>G, p.Thr575= (NM_001128227.3); c.1302A>G, p.Thr434= (NM_001190384.3); c.1455A>G, p.Thr485= (NM_001190388.2, NM_001374798.1); c.1479A>G, p.Thr493= (NM_001374797.1); c.1411+595A>G (NM_001190383.3).
Identifiers: ClinVar variation 1398757 (VCV001398757.8), dbSNP rs2133020714, ClinGen allele CA464495141.

ClinVar aggregate classification (germline): Uncertain significance (1 of 4 stars; one submission).

Conditions:
Sialuria. Also called: SIALURIA, FRENCH TYPE; Sialic Acid Storage Disease. Identifiers: Orphanet 3166, MedGen C0342853, MONDO:0010028, OMIM 269921.
GNE myopathy (NM). Also called: INCLUSION BODY MYOPATHY, HEREDITARY, AUTOSOMAL RECESSIVE; INCLUSION BODY MYOPATHY 2, AUTOSOMAL RECESSIVE; IBM 2; Inclusion body myopathy autosomal recessive; Inclusion body myopathy quadriceps sparing; NONAKA DISTAL MYOPATHY. Identifiers: Orphanet 602, MedGen C1853926, MONDO:0011603, OMIM 605820.

Submission:

Labcorp Genetics (formerly Invitae), Labcorp
Classification: Uncertain significance for Sialuria; GNE myopathy. Last evaluated: 2021-01-15. Review status: criteria provided, single submitter. Criteria: Invitae Variant Classification Sherloc (09022015). Collection method: clinical testing. Allele origin: germline.
Comment: This sequence change affects codon 575 of the GNE mRNA. It is a 'silent' change, meaning that it does not change the encoded amino acid sequence of the GNE protein. This variant is not present in population databases (ExAC no frequency). This variant has not been reported in the literature in individuals with GNE-related disease. Algorithms developed to predict the effect of sequence changes on RNA splicing suggest that this variant is not likely to affect RNA splicing, but this prediction has not been confirmed by published transcriptional studies. In summary, the available evidence is currently insufficient to determine the role of this variant in disease. Therefore, it has been classified as a Variant of Uncertain Significance.